The following is an entry in ClinVar:

NM_000183.3(HADHB):c.166G>T (p.Val56Leu)

Gene: HADHB (hydroxyacyl-CoA dehydrogenase trifunctional multienzyme complex subunit beta; plus strand). Cytogenetic location: 2p23.3.
Variant type: single nucleotide variant.
Coding change: c.166G>T on transcript NM_000183.3 (MANE Select); coding-DNA position 166, G replaced by T.
Protein change: p.Val56Leu; replaces valine 56 with leucine.
Molecular consequence: missense variant.
Genome position (GRCh38, 1-based): chr2:26,263,436, G>T. VCF-style: chr2-26263436-G-T. GRCh37 (hg19) VCF-style: chr2-26486304-G-T.
Other names: c.166G>T, p.Val56Leu (NM_001281512.2); c.100G>T, p.Val34Leu (NM_001281513.2); short protein forms V56L, V34L.
Identifiers: ClinVar variation 2070377 (VCV002070377.2), dbSNP rs1342180324, ClinGen allele CA346104881.

ClinVar aggregate classification (germline): Uncertain significance. Review status: criteria provided, multiple submitters, no conflicts (2 of 4 stars). 2 submissions from 2 submitters: Uncertain significance (2). Last evaluated 2022-06-29.

Conditions:
Mitochondrial trifunctional protein deficiency. Identifiers: Orphanet 746, MedGen C1969443, MONDO:0012172.
Inborn genetic diseases. Identifiers: MedGen C0950123, MeSH D030342.

Allele frequency attached by ClinVar (database versions not stated): gnomAD 0.00001.
gnomAD v4.1: 1 of 1,613,028 alleles (0.000062%); highest among the groups gnomAD compares: Admixed American, 0.0017%; no homozygotes.

Submissions (2):

Ambry Genetics
Classification: Uncertain significance for Inborn genetic diseases. Last evaluated: 2022-06-29. Review status: criteria provided, single submitter. Criteria: Ambry Variant Classification Scheme 2023. Collection method: clinical testing. Allele origin: germline.

Labcorp Genetics (formerly Invitae), Labcorp
Classification: Uncertain significance for Mitochondrial trifunctional protein deficiency. Last evaluated: 2022-03-25. Review status: criteria provided, single submitter. Criteria: Invitae Variant Classification Sherloc (09022015). Collection method: clinical testing. Allele origin: germline.
Comment: This sequence change replaces valine, which is neutral and non-polar, with leucine, which is neutral and non-polar, at codon 56 of the HADHB protein (p.Val56Leu). This variant is not present in population databases (gnomAD no frequency). This variant has not been reported in the literature in individuals affected with HADHB-related conditions. Algorithms developed to predict the effect of missense changes on protein structure and function (SIFT, PolyPhen-2, Align-GVGD) all suggest that this variant is likely to be tolerated. In summary, the available evidence is currently insufficient to determine the role of this variant in disease. Therefore, it has been classified as a Variant of Uncertain Significance.